The following is an entry in ClinVar:

ClinVar aggregate classification (germline): Uncertain significance. Review status: criteria provided, multiple submitters, no conflicts (2 of 4 stars). 4 submissions from 4 submitters: Uncertain significance (4). Last evaluated 2025-10-02.

Conditions:
NF1-related disorder. Also called: NF1-related condition. Identifiers: MedGen CN379171.
Hereditary cancer-predisposing syndrome. Also called: Hereditary neoplastic syndrome; Hereditary Cancer Syndrome; Neoplastic Syndromes, Hereditary; Tumor predisposition. Identifiers: Orphanet 140162, MedGen C0027672, MeSH D009386, MONDO:0015356.
Cardiovascular phenotype. Identifiers: MedGen CN230736.
Juvenile myelomonocytic leukemia (JMML). Also called: LEUKEMIA, JUVENILE MYELOMONOCYTIC, SOMATIC. Identifiers: Orphanet 86834, MedGen C0349639, MONDO:0011908, OMIM 607785, HP:0012209.
Neurofibromatosis, type 1 (NF1). Also called: Peripheral type neurofibromatosis; Neurofibromatosis, type I; VON RECKLINGHAUSEN DISEASE; NEUROFIBROMATOSIS, TYPE I, SOMATIC. Identifiers: Orphanet 636, MedGen C0027831, MONDO:0018975, OMIM 162200. Disease mechanism: loss of function.

Submissions (4):

Ambry Genetics
Classification: Uncertain significance for Cardiovascular phenotype; Hereditary cancer-predisposing syndrome. Last evaluated: 2025-10-02. Review status: criteria provided, single submitter. Criteria: Ambry Variant Classification Scheme 2023. Collection method: clinical testing. Allele origin: germline.
Comment: The p.G1417C variant (also known as c.4249G>T), located in coding exon 31 of the NF1 gene, results from a G to T substitution at nucleotide position 4249. The glycine at codon 1417 is replaced by cysteine, an amino acid with highly dissimilar properties. This amino acid position is highly conserved in available vertebrate species. In addition, this alteration is predicted to be deleterious by in silico analysis. Based on the available evidence, the clinical significance of this variant remains unclear.

PreventionGenetics, part of Exact Sciences
Classification: Uncertain significance for NF1-related condition. Last evaluated: 2024-12-19. Review status: criteria provided, single submitter. Criteria: ACMG Guidelines, 2015. Collection method: clinical testing. Allele origin: germline.
Comment: The NF1 c.4312G>T variant is predicted to result in the amino acid substitution p.Gly1438Cys. To our knowledge, this variant has not been reported in the literature or in gnomAD, indicating this variant is rare. This variant is interpreted as uncertain significance in ClinVar. At this time, the clinical significance of this variant is uncertain due to the absence of conclusive functional and genetic evidence.

Baylor Genetics
Classification: Uncertain significance for Juvenile myelomonocytic leukemia. Last evaluated: 2024-03-27. Review status: criteria provided, single submitter. Criteria: ACMG Guidelines, 2015. Collection method: clinical testing. Allele origin: unknown.

Labcorp Genetics (formerly Invitae), Labcorp
Classification: Uncertain significance for Neurofibromatosis, type 1. Last evaluated: 2017-11-28. Review status: criteria provided, single submitter. Criteria: Invitae Variant Classification Sherloc (09022015). Collection method: clinical testing. Allele origin: germline.
Comment: This variant is not present in population databases (ExAC no frequency). This sequence change replaces glycine with cysteine at codon 1417 of the NF1 protein (p.Gly1417Cys). The glycine residue is moderately conserved and there is a large physicochemical difference between glycine and cysteine. This variant has not been reported in the literature in individuals with NF1-related disease. In summary, the available evidence is currently insufficient to determine the role of this variant in disease. Therefore, it has been classified as a Variant of Uncertain Significance. Algorithms developed to predict the effect of sequence changes on RNA splicing suggest that this variant may create or strengthen a splice site, but this prediction has not been confirmed by published transcriptional studies. Algorithms developed to predict the effect of missense changes on protein structure and function do not agree on the potential impact of this missense change (SIFT: "Tolerated"; PolyPhen-2: "Probably Damaging"; Align-GVGD: "Class C0").

NM_001042492.3(NF1):c.4312G>T (p.Gly1438Cys)

Gene: NF1 (neurofibromin 1; plus strand). Cytogenetic location: 17q11.2.
Variant type: single nucleotide variant.
Coding change: c.4312G>T on transcript NM_001042492.3 (MANE Select); coding-DNA position 4312, G replaced by T.
Protein change: p.Gly1438Cys; replaces glycine 1438 with cysteine.
Molecular consequence: missense variant.
Genome position (GRCh38, 1-based): chr17:31,258,482, G>T. VCF-style: chr17-31258482-G-T. GRCh37 (hg19) VCF-style: chr17-29585500-G-T.
Other names: c.4249G>T, p.Gly1417Cys (NM_000267.4); short protein forms G1417C, G1438C.
Identifiers: ClinVar variation 527472 (VCV000527472.9), dbSNP rs1555618559, ClinGen allele CA398998110.